The following is an entry in ClinVar:

NM_004304.5(ALK):c.1337G>A (p.Gly446Glu)

Gene: ALK (ALK receptor tyrosine kinase; minus strand). Cytogenetic location: 2p23.2.
Variant type: single nucleotide variant.
Coding change: c.1337G>A on transcript NM_004304.5 (MANE Select); coding-DNA position 1337, G replaced by A.
Protein change: p.Gly446Glu; replaces glycine 446 with glutamic acid.
Molecular consequence: missense variant.
Genome position (GRCh38, 1-based): chr2:29,328,427, C>T on the plus strand (G>A on the coding strand, the complement: ALK is on the minus strand). VCF-style: chr2-29328427-C-T. GRCh37 (hg19) VCF-style: chr2-29551293-C-T.
Other names: short protein forms G446E.
Identifiers: ClinVar variation 3524482 (VCV003524482.1).

ClinVar aggregate classification (germline): Uncertain significance (1 of 4 stars; one submission).

Conditions:
Hereditary cancer-predisposing syndrome. Also called: Hereditary Cancer Syndrome; Hereditary neoplastic syndrome; Tumor predisposition; Neoplastic Syndromes, Hereditary. Identifiers: Orphanet 140162, MedGen C0027672, MeSH D009386, MONDO:0015356.

Submission:

Ambry Genetics
Classification: Uncertain significance for Hereditary cancer-predisposing syndrome. Last evaluated: 2024-08-30. Review status: criteria provided, single submitter. Criteria: Ambry Variant Classification Scheme 2023. Collection method: clinical testing. Allele origin: germline.
Comment: The p.G446E variant (also known as c.1337G>A), located in coding exon 6 of the ALK gene, results from a G to A substitution at nucleotide position 1337. The glycine at codon 446 is replaced by glutamic acid, an amino acid with similar properties. This amino acid position is conserved. In addition, this alteration is predicted to be deleterious by in silico analysis. Based on the available evidence, the clinical significance of this variant remains unclear.